The following is an entry in ClinVar:

ClinVar aggregate classification (germline): Uncertain significance (1 of 4 stars; one submission).

Conditions:
SLC51A-related disorder. Also called: SLC51A-related condition.

gnomAD v4.1: 8 of 1,614,018 alleles (0.0005%); highest among the groups gnomAD compares: South Asian, 0.0033%; no homozygotes.

Submission:

PreventionGenetics, part of Exact Sciences
Classification: Uncertain significance for SLC51A-related condition. Last evaluated: 2026-07-28. Review status: criteria provided, single submitter. Criteria: ACMG Guidelines, 2015. Collection method: clinical testing. Allele origin: germline.
Comment: The SLC51A c.416G>T variant is predicted to result in the amino acid substitution p.Gly139Val. To our knowledge, this variant has not been reported in the literature. This variant is reported in 0.0040% of alleles in individuals of European (Finnish) descent in gnomAD. At this time, the clinical significance of this variant is uncertain due to the absence of conclusive functional and genetic evidence.

NM_152672.6(SLC51A):c.416G>T (p.Gly139Val)

Gene: SLC51A (solute carrier family 51 member A; plus strand). Cytogenetic location: 3q29.
Variant type: single nucleotide variant.
Coding change: c.416G>T on transcript NM_152672.6 (MANE Select); coding-DNA position 416, G replaced by T.
Protein change: p.Gly139Val; replaces glycine 139 with valine.
Molecular consequence: missense variant.
Genome position (GRCh38, 1-based): chr3:196,228,168, G>T. VCF-style: chr3-196228168-G-T. GRCh37 (hg19) VCF-style: chr3-195955039-G-T.
Other names: short protein forms G139V.
Identifiers: ClinVar variation 4988340 (VCV004988340.1).